The following is an entry in ClinVar:

NM_001378454.1(ALMS1):c.9805A>T (p.Lys3269Ter)

Gene: ALMS1 (ALMS1 centrosome and basal body associated protein; plus strand). Cytogenetic location: 2p13.1.
Variant type: single nucleotide variant.
Coding change: c.9805A>T on transcript NM_001378454.1 (MANE Select); coding-DNA position 9805, A replaced by T.
Protein change: p.Lys3269Ter; replaces lysine 3269 with a stop codon.
Molecular consequence: nonsense.
Genome position (GRCh38, 1-based): chr2:73,534,847, A>T. VCF-style: chr2-73534847-A-T. GRCh37 (hg19) VCF-style: chr2-73761974-A-T.
Other names: c.9808A>T, p.Lys3270Ter (NM_015120.4); short protein forms K3269*, K3270*.
Identifiers: ClinVar variation 2054080 (VCV002054080.4), dbSNP rs1216373008, ClinGen allele CA347263488.
Genomic context (GRCh38, chr2:73,534,847, plus strand): 5'-TTTTTCATATTAATTGTTCTGATTTTTACCTCCTTAGGCCAGCCTTTATTATTGCCATAT[A>T]AGCCTTCTGGTAGTACCAAGATGTATTATGTTCCACAATTAAGACAAATTCCTCCATCTC-3'

ClinVar aggregate classification (germline): Pathogenic (1 of 4 stars; one submission).

Conditions:
Alstrom syndrome (ALMS). Identifiers: Orphanet 64, MedGen C0268425, MONDO:0008763, OMIM 203800.

Allele frequency attached by ClinVar (database versions not stated): gnomAD exomes below 0.00001.
gnomAD v4.1: 1 of 1,613,604 alleles (0.000062%); highest among the groups gnomAD compares: Admixed American, 0.0017%; no homozygotes.

Submission:

Labcorp Genetics (formerly Invitae), Labcorp
Classification: Pathogenic for Alstrom syndrome. Last evaluated: 2024-01-02. Review status: criteria provided, single submitter. Criteria: Invitae Variant Classification Sherloc (09022015). Collection method: clinical testing. Allele origin: germline.
Comment: This sequence change creates a premature translational stop signal (p.Lys3270*) in the ALMS1 gene. It is expected to result in an absent or disrupted protein product. Loss-of-function variants in ALMS1 are known to be pathogenic (PMID: 17594715). This variant is present in population databases (no rsID available, gnomAD 0.003%). This variant has not been reported in the literature in individuals affected with ALMS1-related conditions. ClinVar contains an entry for this variant (Variation ID: 2054080). For these reasons, this variant has been classified as Pathogenic.

Literature cited by the submitters: PubMed 17594715.